The following is an entry in ClinVar:

ClinVar aggregate classification (germline): Uncertain significance (1 of 4 stars; one submission).

Submission:

GeneDx
Classification: Uncertain significance. Last evaluated: 2022-12-29. Review status: criteria provided, single submitter. Criteria: GeneDx Variant Classification Process June 2021. Collection method: clinical testing. Allele origin: germline. Affected: yes.
Comment: Not observed at significant frequency in large population cohorts (gnomAD); In silico analysis supports that this missense variant has a deleterious effect on protein structure/function; Has not been previously published as pathogenic or benign to our knowledge

NM_001161352.2(KCNMA1):c.1181G>T (p.Arg394Leu)

Gene: KCNMA1 (potassium calcium-activated channel subfamily M alpha 1; minus strand). Cytogenetic location: 10q22.3.
Variant type: single nucleotide variant.
Coding change: c.1181G>T on transcript NM_001161352.2 (MANE Select); coding-DNA position 1181, G replaced by T.
Protein change: p.Arg394Leu; replaces arginine 394 with leucine.
Molecular consequence: missense variant.
Genome position (GRCh38, 1-based): chr10:77,108,523, C>A on the plus strand (G>T on the coding strand, the complement: KCNMA1 is on the minus strand). VCF-style: chr10-77108523-C-A. GRCh37 (hg19) VCF-style: chr10-78868281-C-A.
Other names: c.1181G>T, p.Arg394Leu (NM_001014797.3, NM_001161353.2, NM_001271519.2 and 8 more transcripts); c.1019G>T, p.Arg340Leu (NM_001271518.2); c.641G>T, p.Arg214Leu (NM_001322838.2); short protein forms R214L, R340L, R394L.
Identifiers: ClinVar variation 2507082 (VCV002507082.1), dbSNP rs1397483743, ClinGen allele CA377408677.
Genomic context (GRCh38, chr10:77,108,523, plus strand): 5'-ACCTCTTGGCATACTTACTTTCTTCCACTAACCGCACTATAGGAGCCCCCGTATTTCTTG[C>A]GGTTTCCTATTAACTCTATGATTTCAGGGACGTAGCTGGCAAACATGGCCTGAGAAGATA-3'
Protein context (NP_001154824.1, residues 384-404): VPEIIELIGN[Arg394Leu]KKYGGSYSAV